The following is an entry in ClinVar:

ClinVar aggregate classification (germline): Uncertain significance (1 of 4 stars; one submission).

Conditions:
Immunodeficiency 23 (IMD23). Also called: IMMUNODEFICIENCY WITH HYPER IgE AND COGNITIVE IMPAIRMENT; IMMUNODEFICIENCY-VASCULITIS-MYOCLONUS SYNDROME. Identifiers: Orphanet 443811, MedGen C4014371, MONDO:0014353, OMIM 615816.

gnomAD v4.1: 3 of 1,613,550 alleles (0.00019%); highest among the groups gnomAD compares: Non-Finnish European, 0.00025%; no homozygotes.

Submission:

Labcorp Genetics (formerly Invitae), Labcorp
Classification: Uncertain significance for Immunodeficiency 23. Last evaluated: 2025-12-29. Review status: criteria provided, single submitter. Criteria: Invitae Variant Classification Sherloc (09022015). Collection method: clinical testing. Allele origin: germline.
Comment: This sequence change replaces threonine, which is neutral and polar, with alanine, which is neutral and non-polar, at codon 473 of the PGM3 protein (p.Thr473Ala). This variant is not present in population databases (gnomAD no frequency). This variant has not been reported in the literature in individuals affected with PGM3-related conditions. An algorithm developed to predict the effect of missense changes on protein structure and function (PolyPhen-2) suggests that this variant is likely to be tolerated. In summary, the available evidence is currently insufficient to determine the role of this variant in disease. Therefore, it has been classified as a Variant of Uncertain Significance.

NM_015599.3(PGM3):c.1333A>G (p.Thr445Ala)

Gene: PGM3 (phosphoglucomutase 3; minus strand). Cytogenetic location: 6q14.1.
Variant type: single nucleotide variant.
Coding change: c.1333A>G on transcript NM_015599.3 (MANE Select); coding-DNA position 1333, A replaced by G.
Protein change: p.Thr445Ala; replaces threonine 445 with alanine.
Molecular consequence: missense variant. On other transcripts: non-coding transcript variant (1), intron variant (1).
Genome position (GRCh38, 1-based): chr6:83,171,969, T>C on the plus strand (A>G on the coding strand, the complement: PGM3 is on the minus strand). VCF-style: chr6-83171969-T-C. GRCh37 (hg19) VCF-style: chr6-83881688-T-C.
Other names: c.1417A>G, p.Thr473Ala (NM_001199917.2, NM_001367287.1); c.1090A>G, p.Thr364Ala (NM_001199918.2); c.1333A>G, p.Thr445Ala (NM_001199919.2); c.1243-1491A>G (NM_001367286.1); short protein forms T364A, T445A, T473A.
Identifiers: ClinVar variation 4702744 (VCV004702744.1).